The following is an entry in ClinVar:

ClinVar aggregate classification (germline): Conflicting classifications of pathogenicity. Review status: criteria provided, conflicting classifications (1 of 4 stars). 3 submissions from 3 submitters: Uncertain significance (2); Likely benign (1). Last evaluated 2023-03-23.

Conditions:
Hereditary breast ovarian cancer syndrome. Also called: Hereditary breast and ovarian cancer syndrome; Hereditary breast and ovarian cancer; Hereditary breast and ovarian cancer syndrome (HBOC); Breast and ovarian cancer; Hereditary breast and/or ovarian cancer syndrome; BRCA1- and BRCA2-Associated Hereditary Breast and Ovarian Cancer. Identifiers: Orphanet 145, MedGen C0677776, MeSH D061325, MONDO:0003582. Disease mechanism: loss of function.
Hereditary cancer-predisposing syndrome. Also called: Neoplastic Syndromes, Hereditary; Tumor predisposition; Hereditary neoplastic syndrome; Hereditary Cancer Syndrome. Identifiers: Orphanet 140162, MedGen C0027672, MeSH D009386, MONDO:0015356.

Submissions (3):

University of Washington Department of Laboratory Medicine, University of Washington
Classification: Likely benign for Hereditary cancer-predisposing syndrome. Last evaluated: 2023-03-23. Review status: criteria provided, single submitter. Criteria: Dines et al. (Genet Med. 2020). Collection method: curation. Allele origin: germline.
Comment: Missense variant in a coldspot region where missense variants are very unlikely to be pathogenic (PMID:31911673).

BRCA2 exon 11 coldspot. Reclassification based on statistical prior probability.

Ambry Genetics
Classification: Uncertain significance for Hereditary cancer-predisposing syndrome. Last evaluated: 2022-06-08. Review status: criteria provided, single submitter. Criteria: Ambry Variant Classification Scheme 2023. Collection method: clinical testing. Allele origin: germline.
Comment: The p.K2182R variant (also known as c.6545A>G), located in coding exon 10 of the BRCA2 gene, results from an A to G substitution at nucleotide position 6545. The lysine at codon 2182 is replaced by arginine, an amino acid with highly similar properties. This amino acid position is not well conserved in available vertebrate species. In addition, the in silico prediction for this alteration is inconclusive. Since supporting evidence is limited at this time, the clinical significance of this alteration remains unclear.

Labcorp Genetics (formerly Invitae), Labcorp
Classification: Uncertain significance for Hereditary breast ovarian cancer syndrome. Last evaluated: 2022-05-13. Review status: criteria provided, single submitter. Criteria: Invitae Variant Classification Sherloc (09022015). Collection method: clinical testing. Allele origin: germline.
Comment: This sequence change replaces lysine, which is basic and polar, with arginine, which is basic and polar, at codon 2182 of the BRCA2 protein (p.Lys2182Arg). In summary, the available evidence is currently insufficient to determine the role of this variant in disease. Therefore, it has been classified as a Variant of Uncertain Significance. Advanced modeling of protein sequence and biophysical properties (such as structural, functional, and spatial information, amino acid conservation, physicochemical variation, residue mobility, and thermodynamic stability) performed at Invitae indicates that this missense variant is not expected to disrupt BRCA2 protein function. ClinVar contains an entry for this variant (Variation ID: 826473). This variant has not been reported in the literature in individuals affected with BRCA2-related conditions. This variant is not present in population databases (gnomAD no frequency).

NM_000059.4(BRCA2):c.6545A>G (p.Lys2182Arg)

Gene: BRCA2 (BRCA2 DNA repair associated; plus strand). Cytogenetic location: 13q13.1.
Variant type: single nucleotide variant.
Coding change: c.6545A>G on transcript NM_000059.4 (MANE Select); coding-DNA position 6545, A replaced by G.
Protein change: p.Lys2182Arg; replaces lysine 2182 with arginine.
Molecular consequence: missense variant.
Genome position (GRCh38, 1-based): chr13:32,340,900, A>G. VCF-style: chr13-32340900-A-G. GRCh37 (hg19) VCF-style: chr13-32915037-A-G.
Other names: short protein forms K2182R.
Identifiers: ClinVar variation 826473 (VCV000826473.10), dbSNP rs1593909056, ClinGen allele CA387789747.